The following is an entry in ClinVar:

NM_001348323.3(TRIP12):c.1605G>A (p.Thr535=)

Gene: TRIP12 (thyroid hormone receptor interactor 12; minus strand). Cytogenetic location: 2q36.3.
Variant type: single nucleotide variant.
Coding change: c.1605G>A on transcript NM_001348323.3 (MANE Select); coding-DNA position 1605, G replaced by A.
Protein change: p.Thr535=; no amino-acid change (threonine 535 retained).
Molecular consequence: synonymous variant.
Genome position (GRCh38, 1-based): chr2:229,815,303, C>T on the plus strand (G>A on the coding strand, the complement: TRIP12 is on the minus strand). VCF-style: chr2-229815303-C-T. GRCh37 (hg19) VCF-style: chr2-230680019-C-T.
Other names: c.1605G>A, p.Thr535= (NM_001284214.2, NM_001348315.2, NM_001348319.1 and 11 more transcripts); c.1479G>A, p.Thr493= (NM_001284215.2, NM_001348316.2, NM_001348317.1 and 2 more transcripts); c.570G>A, p.Thr190= (NM_001284216.2); c.1518G>A, p.Thr506= (NM_001348332.1); c.1461G>A, p.Thr487= (NM_004238.3).
Identifiers: ClinVar variation 3036601 (VCV003036601.2), dbSNP rs774238729, ClinGen allele CA2153225.
Genomic context (GRCh38, chr2:229,815,303, plus strand): 5'-CACCATTAAAAAAATACAATATATACTTACAATATCAAAATTGTGCTCCATCTGAAGTAA[C>T]GTAATCTGTTAAAAAGATAACAAAATATTAGAAGCTATATTCCTTGGGAAAATCCTAGAG-3'
Protein context (NP_001335252.1, residues 525-545): PVKSVVPALI[Thr535=]LLQMEHNFDI

ClinVar aggregate classification (germline): Likely benign (0 of 4 stars; one submission).

Conditions:
TRIP12-related disorder. Also called: TRIP12-related condition.

Allele frequency attached by ClinVar (database versions not stated): gnomAD exomes 0.00001; ExAC 0.00003; TOPMed 0.00004; gnomAD 0.00005; 1000 Genomes Project 30x 0.00031.
gnomAD v4.1: 26 of 1,428,318 alleles (0.0018%); highest among the groups gnomAD compares: Middle Eastern, 0.18%; no homozygotes.

Submission:

PreventionGenetics, part of Exact Sciences
Classification: Likely benign for TRIP12-related condition. Last evaluated: 2023-07-20. Review status: no assertion criteria provided. Collection method: clinical testing. Allele origin: germline.
Comment: This variant is classified as likely benign based on ACMG/AMP sequence variant interpretation guidelines (Richards et al. 2015 PMID: 25741868, with internal and published modifications).